The following is an entry in ClinVar:

NM_001256012.3(MYH10):c.3379C>A (p.Leu1127Met)

Gene: MYH10 (myosin heavy chain 10; minus strand). Cytogenetic location: 17p13.1.
Variant type: single nucleotide variant.
Coding change: c.3379C>A on transcript NM_001256012.3 (MANE Select); coding-DNA position 3379, C replaced by A.
Protein change: p.Leu1127Met; replaces leucine 1127 with methionine.
Molecular consequence: missense variant.
Genome position (GRCh38, 1-based): chr17:8,506,325, G>T on the plus strand (C>A on the coding strand, the complement: MYH10 is on the minus strand). VCF-style: chr17-8506325-G-T. GRCh37 (hg19) VCF-style: chr17-8409643-G-T.
Other names: c.3313C>A, p.Leu1105Met (NM_001256095.2); c.3316C>A, p.Leu1106Met (NM_001375266.1); c.3286C>A, p.Leu1096Met (NM_005964.5); short protein forms L1096M, L1105M, L1106M, L1127M.
Identifiers: ClinVar variation 4883445 (VCV004883445.2).
Genomic context (GRCh38, chr17:8,506,325, plus strand): 5'-GCTGAAACTCAGCCCCATGGGCTCCCGTGCAGCGCAGCTGCTGGGCTGCAGACCTGGCCA[G>T]TGCGCCCTGCAGCTCCTCCTCCTTCTTGGCCAGCTGCAGCTTGAGCTCATCAATCTGCGC-3'
Protein context (NP_001242941.1, residues 1117-1137): AKKEEELQGA[Leu1127Met]ARGDDETLHK

ClinVar aggregate classification (germline): Uncertain significance (1 of 4 stars; one submission).

Conditions:
Complex neurodevelopmental disorder with or without congenital anomalies. Identifiers: MedGen CN315647, MONDO:0100465.

gnomAD v4.1: 2 of 1,598,090 alleles (0.00013%); highest among the groups gnomAD compares: Admixed American, 0.0037%; no homozygotes.

Submission:

Dasa
Classification: Uncertain significance for complex neurodevelopmental disorder with or without congenital anomalies. Last evaluated: 2026-01-20. Review status: criteria provided, single submitter. Criteria: DASA Assertion Criteria. Collection method: clinical testing. Allele origin: germline.
Comment: NM_001256012.3(MYH10):c.3379C>A (p.Leu1127Met) is a missense variant that results in the substitution of leucine with methionine. This variant is rare in population databases. The currently available literature and clinical evidence are not sufficient to establish a definitive association between this variant and the reported condition. Therefore, this variant is classified as a variant of uncertain significance.